The following is an entry in ClinVar:

ClinVar aggregate classification (germline): Benign (1 of 4 stars; one submission).

Allele frequency attached by ClinVar (database versions not stated): TOPMed 0.34344; gnomAD 0.34720; 1000 Genomes Project 30x 0.40443; gnomAD exomes 0.40648; 1000 Genomes Project 0.40954.
gnomAD v4.1: 175,479 of 454,188 alleles (39%); highest among the groups gnomAD compares: East Asian, 72%; 37,763 homozygotes.

Submission:

Unidad de Genómica Garrahan, Hospital de Pediatría Garrahan
Classification: Benign. Last evaluated: 2023-11-12. Review status: criteria provided, single submitter. Criteria: ACMG Guidelines, 2015. Collection method: clinical testing. Allele origin: germline. Affected: no. Observed: 77 variant alleles.
Comment: This variant is classified as Benign based on local population frequency. This variant was detected in 80% of patients studied by a panel of primary immunodeficiencies. Number of patients: 77. Only high quality variants are reported.

NM_002661.5(PLCG2):c.1193+1871A>G

Gene: PLCG2 (phospholipase C gamma 2; plus strand). Cytogenetic location: 16q23.3.
Variant type: single nucleotide variant.
Coding change: c.1193+1871A>G on transcript NM_002661.5 (MANE Select); 1871 bases into the intron after coding-DNA position 1193, A replaced by G.
Molecular consequence: intron variant.
Genome position (GRCh38, 1-based): chr16:81,897,798, A>G. VCF-style: chr16-81897798-A-G. GRCh37 (hg19) VCF-style: chr16-81931403-A-G.
Identifiers: ClinVar variation 2628111 (VCV002628111.2), dbSNP rs8049305, ClinGen allele CA14254094.